The following is an entry in ClinVar:

NM_000355.4(TCN2):c.679C>T (p.Arg227Ter)

Gene: TCN2 (transcobalamin 2; plus strand). Cytogenetic location: 22q12.2.
Variant type: single nucleotide variant.
Coding change: c.679C>T on transcript NM_000355.4 (MANE Select); coding-DNA position 679, C replaced by T.
Protein change: p.Arg227Ter; replaces arginine 227 with a stop codon.
Molecular consequence: nonsense.
Genome position (GRCh38, 1-based): chr22:30,615,399, C>T. VCF-style: chr22-30615399-C-T. GRCh37 (hg19) VCF-style: chr22-31011386-C-T.
Other names: c.679C>T (NM_000355.3); c.598C>T, p.Arg200Ter (NM_001184726.2); short protein forms R227*, R200*.
Identifiers: ClinVar variation 2737035 (VCV002737035.6), dbSNP rs1198019350, ClinGen allele CA411212550.

ClinVar aggregate classification (germline): Pathogenic/Likely pathogenic. Review status: criteria provided, multiple submitters, no conflicts (2 of 4 stars). 3 submissions from 3 submitters: Pathogenic (1); Likely pathogenic (1). 1 of the submissions does not count toward it. Last evaluated 2025-01-05.

Conditions:
Transcobalamin II deficiency (TCN2D). Also called: Transcolabamin II deficiency; TC II DEFICIENCY; TCN2 DEFICIENCY. Identifiers: Orphanet 859, MedGen C0342701, MONDO:0010149, OMIM 275350.
TCN2-related disorder. Also called: TCN2-related condition.

Allele frequency attached by ClinVar (database versions not stated): gnomAD 0.00001.

Submissions (3):

Labcorp Genetics (formerly Invitae), Labcorp
Classification: Pathogenic for Transcobalamin II deficiency. Last evaluated: 2025-01-05. Review status: criteria provided, single submitter. Criteria: Invitae Variant Classification Sherloc (09022015). Collection method: clinical testing. Allele origin: germline.
Comment: This sequence change creates a premature translational stop signal (p.Arg227*) in the TCN2 gene. It is expected to result in an absent or disrupted protein product. Loss-of-function variants in TCN2 are known to be pathogenic (PMID: 7980584, 20352340). This variant is present in population databases (no rsID available, gnomAD 0.0009%). This premature translational stop signal has been observed in individual(s) with clinical features of transcobalamin II deficiency (PMID: 26827111). ClinVar contains an entry for this variant (Variation ID: 2737035). For these reasons, this variant has been classified as Pathogenic.

Neuberg Centre For Genomic Medicine, NCGM
Classification: Likely pathogenic for Transcobalamin II deficiency. Review status: criteria provided, single submitter. Criteria: ACMG Guidelines, 2015. Collection method: clinical testing. Allele origin: germline. Inheritance: Autosomal recessive inheritance. Affected: yes.
Comment: The stop gained variant c.679C>T (p.Arg227Ter) in the TCN2 gene has not been reported previously as a pathogenic variant nor as a benign variant, to our knowledge. The variant has 0.0003% allele frequency in gnomAD Exomes. This variant is predicted to cause a loss of normal protein function through protein truncation. Loss of function variants has been previously reported to be disease causing (Zhan et al., 2020). For these reasons, this variant has been classified as Likely Pathogenic.

PreventionGenetics, part of Exact Sciences
Classification: Pathogenic for TCN2-related condition. Last evaluated: 2023-10-21. Review status: no assertion criteria provided. Collection method: clinical testing. Allele origin: germline. Not counted in ClinVar's aggregate classification.
Comment: The TCN2 c.679C>T variant is predicted to result in premature protein termination (p.Arg227*). This variant has been reported in the homozygous state in multiple individuals with transcobalamin II deficiency, including two siblings whose parents were found to be heterozygous carriers (Table 3, Pupavac M et al. 2016. PubMed ID: 26827111; Table 1, Nashabat M et al. 2017. PubMed ID: 28538514). This variant is reported in 0.00088% of alleles in individuals of European (Non-Finnish) descent in gnomAD. Nonsense variants in TCN2 are expected to be pathogenic. This variant is interpreted as pathogenic.

Literature cited by the submitters: PubMed 7980584 (cited by Labcorp Genetics (formerly Invitae), Labcorp); PubMed 20352340 (cited by Labcorp Genetics (formerly Invitae), Labcorp); PubMed 26827111 (cited by Labcorp Genetics (formerly Invitae), Labcorp).